The following is an entry in ClinVar:

ClinVar aggregate classification (germline): Benign/Likely benign. Review status: criteria provided, multiple submitters, no conflicts (2 of 4 stars). 2 submissions from 2 submitters: Benign (1); Likely benign (1). Last evaluated 2025-10-08.

Conditions:
Pheochromocytoma/paraganglioma syndrome 5. Also called: Paragangliomas 5; SDHA-Related Hereditary Paraganglioma-Pheochromocytoma Syndrome. Identifiers: Orphanet 29072, MedGen C3279992, MONDO:0013602, OMIM 614165.
Hereditary cancer-predisposing syndrome. Also called: Tumor predisposition; Neoplastic Syndromes, Hereditary; Hereditary neoplastic syndrome; Hereditary Cancer Syndrome. Identifiers: Orphanet 140162, MedGen C0027672, MeSH D009386, MONDO:0015356.

Submissions (2):

Ambry Genetics
Classification: Likely benign for Hereditary cancer-predisposing syndrome. Last evaluated: 2025-10-08. Review status: criteria provided, single submitter. Criteria: Ambry Variant Classification Scheme 2023. Collection method: clinical testing. Allele origin: germline.

Myriad Genetics, Inc.
Classification: Benign for Pheochromocytoma/paraganglioma syndrome 5. Last evaluated: 2025-03-10. Review status: criteria provided, single submitter. Criteria: Myriad Autosomal Dominant, Autosomal Recessive and X-Linked Classification Criteria (2023). Collection method: clinical testing. Allele origin: unknown.
Comment: This variant is considered benign. This variant is a silent/synonymous amino acid change and it is not expected to impact splicing.

NM_004168.4(SDHA):c.1635C>T (p.Asp545=)

Gene: SDHA (succinate dehydrogenase complex flavoprotein subunit A; plus strand). Cytogenetic location: 5p15.33.
Variant type: single nucleotide variant.
Coding change: c.1635C>T on transcript NM_004168.4 (MANE Select); coding-DNA position 1635, C replaced by T.
Protein change: p.Asp545=; no amino-acid change (aspartic acid 545 retained).
Molecular consequence: synonymous variant. On other transcripts: intron variant (1).
Genome position (GRCh38, 1-based): chr5:251,075, C>T. VCF-style: chr5-251075-C-T. GRCh37 (hg19) VCF-style: chr5-251190-C-T.
Other names: c.1491C>T, p.Asp497= (NM_001294332.2); c.1552-3318C>T (NM_001330758.2); c.1635C>T (NM_004168.2).
Identifiers: ClinVar variation 3904652 (VCV003904652.2).